The following is an entry in ClinVar:

Single allele

Variant type: Deletion.
Identifiers: ClinVar variation 156963 (VCV000156963.2).

ClinVar aggregate classification (germline): not provided. Review status: no classification provided (0 of 4 stars). 2 submissions from 1 submitter: not provided (2).

Conditions:
Preeclampsia. Identifiers: Orphanet 275555, MedGen C0032914, MONDO:0005081, HP:0100602.
Normal pregnancy. Identifiers: MedGen C0232989.

Submissions (2):

Institute of Molecular and Cell Biology, University of Tartu
No classification provided. Condition: Preeclampsia. Review status: no classification provided. Collection method: case-control. Allele origin: unknown. Affected: yes. Study: Kasak2014.
Comment: The study aimed to determine the contribution of copy number variants in the genetic etiology of normal and complicated pregnancies. The samples represented (i) maternal blood DNA drawn from healthy pregnant women during 1st or 2nd trimester and (ii) maternal and paternal blood DNA drawn at term pregnancy cases representing normal and complicated gestations (severe preeclampsia, PE; gestational diabetes, GD; small-for-gestational age newborn, SGA; large-for-gestational age newborn, LGA). We performed CNV calling based on genome-wide genotyping dataset (Illumina HumanOmniExpress-24-v1 BeadChip) by applying three algorithms, QuantiSNP, GADA (Genome Alteration Detection Algorithm) and CNstream in parallel. The acquired CNV calls were merged with HD-CNV (Hotspot Detector for Copy Number Variants) program and only the CNVs predicted by at least two programs, were considered in subsequent analysis.

Institute of Molecular and Cell Biology, University of Tartu
No classification provided. Condition: Normal pregnancy. Review status: no classification provided. Collection method: case-control. Allele origin: unknown. Affected: yes. Study: Kasak2014.
Comment: the same text as in the submission from Institute of Molecular and Cell Biology, University of Tartu above.

Literature cited by the submitters: PubMed 25666259.